The following is an entry in ClinVar:

NM_194248.3(OTOF):c.2516C>T (p.Ala839Val)

Gene: OTOF (otoferlin; minus strand). Cytogenetic location: 2p23.3.
Variant type: single nucleotide variant.
Coding change: c.2516C>T on transcript NM_194248.3 (MANE Select); coding-DNA position 2516, C replaced by T.
Protein change: p.Ala839Val; replaces alanine 839 with valine.
Molecular consequence: missense variant.
Genome position (GRCh38, 1-based): chr2:26,477,179, G>A on the plus strand (C>T on the coding strand, the complement: OTOF is on the minus strand). VCF-style: chr2-26477179-G-A. GRCh37 (hg19) VCF-style: chr2-26700047-G-A.
Other names: c.2516C>T, p.Ala839Val (NM_001287489.2); c.275C>T, p.Ala92Val (NM_004802.4, NM_194323.3); c.446C>T, p.Ala149Val (NM_194322.3); short protein forms A149V, A839V, A92V.
Identifiers: ClinVar variation 1327887 (VCV001327887.8), dbSNP rs201246660, ClinGen allele CA1563887.

ClinVar aggregate classification (germline): Conflicting classifications of pathogenicity. Review status: criteria provided, conflicting classifications (1 of 4 stars). 3 submissions from 3 submitters: Uncertain significance (2); Likely benign (1). Last evaluated 2025-12-28.

Allele frequency attached by ClinVar (database versions not stated): gnomAD exomes 0.00007; ExAC 0.00008; TOPMed 0.00016; 1000 Genomes Project 30x 0.00031; 1000 Genomes Project 0.00040.
gnomAD v4.1: 79 of 1,609,890 alleles (0.0049%); highest among the groups gnomAD compares: African/African-American, 0.056%; no homozygotes.

Submissions (3):

Labcorp Genetics (formerly Invitae), Labcorp
Classification: Likely benign. Last evaluated: 2025-12-28. Review status: criteria provided, single submitter. Criteria: Invitae Variant Classification Sherloc (09022015). Collection method: clinical testing. Allele origin: germline.

GeneDx
Classification: Uncertain significance. Last evaluated: 2025-03-11. Review status: criteria provided, single submitter. Criteria: GeneDx Variant Classification Process June 2021. Collection method: clinical testing. Allele origin: germline. Affected: yes.
Comment: In silico analysis indicates that this missense variant does not alter protein structure/function; Has not been previously published as pathogenic or benign to our knowledge

Blueprint Genetics
Classification: Uncertain significance. Last evaluated: 2024-07-09. Review status: criteria provided, single submitter. Criteria: ACMG Guidelines, 2015. Collection method: clinical testing. Allele origin: germline.